The following is an entry in ClinVar:

NM_024665.7(TBL1XR1):c.1010G>A (p.Gly337Glu)

Genes: TBL1XR1 (TBL1X/Y related 1; minus strand), TBL1XR1-AS1 (TBL1XR1 antisense RNA 1; plus strand), LOC126806878 (CDK7 strongly-dependent group 2 enhancer GRCh37_chr3:176755168-176756367; plus strand). Cytogenetic location: 3q26.32.
Variant type: single nucleotide variant.
Coding change: c.1010G>A on transcript NM_024665.7 (MANE Select); coding-DNA position 1010, G replaced by A.
Protein change: p.Gly337Glu; replaces glycine 337 with glutamic acid.
Molecular consequence: missense variant.
Genome position (GRCh38, 1-based): chr3:177,038,350, C>T on the plus strand (G>A on the coding strand, the complement: TBL1XR1 is on the minus strand). VCF-style: chr3-177038350-C-T. GRCh37 (hg19) VCF-style: chr3-176756138-C-T.
Other names: c.1010G>A, p.Gly337Glu (NM_001321193.3, NM_001321194.3, NM_001374327.1 and 2 more transcripts); c.749G>A, p.Gly250Glu (NM_001321195.3, NM_001374330.1); short protein forms G250E, G337E.
Identifiers: ClinVar variation 3068347 (VCV003068347.4), dbSNP rs1180340380, ClinGen allele CA355555306.
Genomic context (GRCh38, chr3:177,038,350, plus strand): 5'-AATGTGGAAAAAAGGTTTCTTACCGTATGTCCTTGGAATGTTTTAATAGGTCTGTCTTGT[C>T]CTAATTTACAGACATGAATGCACATATCTGTACTACAAGAAGCAAAGGTGTTGTTGCTCT-3'
Protein context (NP_078941.2, residues 327-347): TDMCIHVCKL[Gly337Glu]QDRPIKTFQG

ClinVar aggregate classification (germline): Uncertain significance. Review status: criteria provided, multiple submitters, no conflicts (2 of 4 stars). 3 submissions from 3 submitters: Uncertain significance (3). Last evaluated 2024-12-28.

Conditions:
Intellectual developmental disorder, autosomal dominant 41. Also called: Intellectual disability, autosomal dominant 41. Identifiers: Orphanet 2823, MedGen C4310784, MONDO:0014842, OMIM 616944.
Pierpont syndrome (PRPTS). Identifiers: Orphanet 487825, MedGen C1865644, MONDO:0011213, OMIM 602342.

Allele frequency attached by ClinVar (database versions not stated): gnomAD exomes below 0.00001; TOPMed 0.00001.
gnomAD v4.1: 1 of 1,593,138 alleles (0.000063%); highest among the groups gnomAD compares: Non-Finnish European, 0.000086%; no homozygotes.

Submissions (3):

Labcorp Genetics (formerly Invitae), Labcorp
Classification: Uncertain significance for Pierpont syndrome. Last evaluated: 2024-12-28. Review status: criteria provided, single submitter. Criteria: Invitae Variant Classification Sherloc (09022015). Collection method: clinical testing. Allele origin: germline.
Comment: This sequence change replaces glycine, which is neutral and non-polar, with glutamic acid, which is acidic and polar, at codon 337 of the TBL1XR1 protein (p.Gly337Glu). This variant is not present in population databases (gnomAD no frequency). This variant has not been reported in the literature in individuals affected with TBL1XR1-related conditions. ClinVar contains an entry for this variant (Variation ID: 3068347). An algorithm developed to predict the effect of missense changes on protein structure and function (PolyPhen-2) suggests that this variant is likely to be tolerated. In summary, the available evidence is currently insufficient to determine the role of this variant in disease. Therefore, it has been classified as a Variant of Uncertain Significance.

MVZ Medizinische Genetik Mainz
Classification: Uncertain significance for Intellectual developmental disorder, autosomal dominant 41. Last evaluated: 2023-07-12. Review status: criteria provided, single submitter. Criteria: UK Practice Guidelines For Variant Classification V4 01 2020. Collection method: clinical testing. Allele origin: germline. Inheritance: Autosomal dominant inheritance. Affected: yes. Observed: 1 variant allele.
Comment: ACMG Criteria: PM2_SUP,PP2,PP3

Blueprint Genetics
Classification: Uncertain significance. Last evaluated: 2020-04-30. Review status: criteria provided, single submitter. Criteria: ACMG Guidelines, 2015. Collection method: clinical testing. Allele origin: germline.